The following is an entry in ClinVar:

ClinVar aggregate classification (germline): Uncertain significance. Review status: criteria provided, multiple submitters, no conflicts (2 of 4 stars). 2 submissions from 2 submitters: Uncertain significance (2). Last evaluated 2025-08-28.

Conditions:
Hereditary cancer-predisposing syndrome. Also called: Neoplastic Syndromes, Hereditary; Tumor predisposition; Hereditary Cancer Syndrome; Hereditary neoplastic syndrome. Identifiers: Orphanet 140162, MedGen C0027672, MeSH D009386, MONDO:0015356.

Allele frequency attached by ClinVar (database versions not stated): gnomAD exomes below 0.00001.
gnomAD v4.1: 1 of 1,544,730 alleles (0.000065%); highest among the groups gnomAD compares: Non-Finnish European, 0.000088%; no homozygotes.

Submissions (2):

Color Diagnostics, LLC DBA Color Health
Classification: Uncertain significance for Hereditary cancer-predisposing syndrome. Last evaluated: 2025-08-28. Review status: criteria provided, single submitter. Criteria: ACMG Guidelines, 2015. Collection method: clinical testing. Allele origin: germline.
Comment: This missense variant replaces alanine with valine at codon 674 of the PMS2 protein. Computational prediction is inconclusive regarding the impact of this variant on protein structure and function. To our knowledge, functional studies have not been reported for this variant. This variant has not been reported in individuals affected with PMS2-related disorders in the literature. This variant has not been identified in the general population by the Genome Aggregation Database (gnomAD). The available evidence is insufficient to determine the role of this variant in disease conclusively. Therefore, this variant is classified as a Variant of Uncertain Significance.

Ambry Genetics
Classification: Uncertain significance for Hereditary cancer-predisposing syndrome. Last evaluated: 2025-08-04. Review status: criteria provided, single submitter. Criteria: Ambry Variant Classification Scheme 2023. Collection method: clinical testing. Allele origin: germline.
Comment: The p.A674V variant (also known as c.2021C>T), located in coding exon 12 of the PMS2 gene, results from a C to T substitution at nucleotide position 2021. The alanine at codon 674 is replaced by valine, an amino acid with similar properties. This amino acid position is not well conserved in available vertebrate species. In addition, the in silico prediction for this alteration is inconclusive. Based on the available evidence, the clinical significance of this variant remains unclear.

NM_000535.7(PMS2):c.2021C>T (p.Ala674Val)

Gene: PMS2 (PMS1 homolog 2, mismatch repair system component; minus strand). Cytogenetic location: 7p22.1.
Variant type: single nucleotide variant.
Coding change: c.2021C>T on transcript NM_000535.7 (MANE Select); coding-DNA position 2021, C replaced by T.
Protein change: p.Ala674Val; replaces alanine 674 with valine.
Molecular consequence: missense variant. On other transcripts: non-coding transcript variant (1).
Genome position (GRCh38, 1-based): chr7:5,982,977, G>A on the plus strand (C>T on the coding strand, the complement: PMS2 is on the minus strand). VCF-style: chr7-5982977-G-A. GRCh37 (hg19) VCF-style: chr7-6022608-G-A.
Other names: c.1616C>T, p.Ala539Val (NM_001018040.1, NM_001322003.2, NM_001322004.2 and 15 more transcripts); c.1865C>T, p.Ala622Val (NM_001322006.2, NM_001406870.1); c.1703C>T, p.Ala568Val (NM_001322007.2, NM_001322008.2, NM_001406876.1 and 1 more transcripts); c.1460C>T, p.Ala487Val (NM_001322010.2, NM_001406906.1, NM_001406907.1); c.1088C>T, p.Ala363Val (NM_001322011.2, NM_001322012.2); c.1448C>T, p.Ala483Val (NM_001322013.2, NM_001406909.1); c.2021C>T, p.Ala674Val (NM_001322014.2, NM_001406871.1); c.1712C>T, p.Ala571Val (NM_001322015.2, NM_001406875.1, NM_001406877.1 and 5 more transcripts); and 13 more; short protein forms A363V, A566V, A622V, A682V, A417V, A539V, A568V, A571V.
Identifiers: ClinVar variation 1784567 (VCV001784567.4), dbSNP rs2128704703, ClinGen allele CA366738167.
Genomic context (GRCh38, chr7:5,982,977, plus strand): 5'-TCCTCATTCAGTTTGGTTATTATAAATCCCAGGTTAAACTGACCAATGATTTCCATTTCT[G>A]CAAACATCGTTTTACTGCAGGTAGAAAATGTTAATTATCAGACATTTTACAAGATTATTT-3'
Protein context (NP_000526.2, residues 664-684): LRKEISKTMF[Ala674Val]EMEIIGQFNL